The following is an entry in ClinVar:

NM_002474.3(MYH11):c.633+1907del

Gene: MYH11 (myosin heavy chain 11; minus strand). Cytogenetic location: 16p13.11.
Variant type: Deletion.
Coding change: c.633+1907del on transcript NM_002474.3 (MANE Select); 1907 bases into the intron after coding-DNA position 633, one base deleted (C; older notation c.633+1907delC).
Molecular consequence: intron variant.
Genome position (GRCh38, 1-based): chr16:15,784,723, G deleted on the plus strand (C on the coding strand, the reverse complement: MYH11 is on the minus strand); the first of 2 consecutive G bases (chr16:15,784,723-15,784,724); deleting either gives the same sequence. VCF-style (leftmost placement, unchanged base first): chr16-15784722-TG-T. GRCh37 (hg19) VCF-style: chr16-15878579-TG-T.
Other names: c.633+1907del (NM_022844.3); c.634-5del (NM_001040114.2, NM_001040113.2).
Identifiers: ClinVar variation 3073095 (VCV003073095.2), dbSNP rs773496706, ClinGen allele CA7922885.
Genomic context (GRCh38, chr16:15,784,722, plus strand): 5'-CCCCTACACACCAGGAAAACACTCTCAGTTACTCACGTAGGCAAAAGATGGGCCTTGCTG[TG>T]GTTGAACAACACAGTATAAAACAAATGTCAGCGTTATTTCCATCACATGGACATCAGGGG-3'

ClinVar aggregate classification (germline): Conflicting classifications of pathogenicity. Review status: criteria provided, conflicting classifications (1 of 4 stars). 2 submissions from 2 submitters: Uncertain significance (1); Likely benign (1). Last evaluated 2025-10-07.

Conditions:
Familial thoracic aortic aneurysm and aortic dissection (TAAD). Also called: Thoracic aortic aneurysms and dissections. Identifiers: Orphanet 91387, MedGen C4707243, MONDO:0019625.

Submissions (2):

Color Diagnostics, LLC DBA Color Health
Classification: Likely benign for Familial thoracic aortic aneurysm and aortic dissection. Last evaluated: 2025-10-07. Review status: criteria provided, single submitter. Criteria: ACMG Guidelines, 2015. Collection method: clinical testing. Allele origin: germline.

All of Us Research Program, National Institutes of Health
Classification: Uncertain significance for Familial thoracic aortic aneurysm and aortic dissection. Last evaluated: 2023-08-23. Review status: criteria provided, single submitter. Criteria: ACMG Guidelines, 2015. Collection method: clinical testing. Allele origin: germline. Inheritance: Autosomal dominant inheritance. Observed: 1 variant allele, 1 heterozygote.
Comment: This variant causes deletes one nucleotide in intron 5 of the MYH11 gene. To our knowledge, functional studies have not been reported for this variant. This variant has not been reported in individuals affected with MYH11-related disorders in the literature. This variant has been identified in 1/249040 chromosomes in the general population by the Genome Aggregation Database (gnomAD). The available evidence is insufficient to determine the role of this variant in disease conclusively. Therefore, this variant is classified as a Variant of Uncertain Significance.

This study involves interpretation of variants in research participants for the purpose of population health screening. Participant phenotype was not available at the time of variant classification. Additional details can be found in publication PMID: 35346344, PMCID: PMC8962531